The following is an entry in ClinVar:

ClinVar aggregate classification (germline): Uncertain significance. Review status: criteria provided, multiple submitters, no conflicts (2 of 4 stars). 2 submissions from 2 submitters: Uncertain significance (2). Last evaluated 2025-11-06.

Conditions:
Renal cell carcinoma. Identifiers: Orphanet 217071, MedGen C0007134, MeSH D002292, MONDO:0005086, HP:0005584.
Hereditary cancer-predisposing syndrome. Also called: Neoplastic Syndromes, Hereditary; Tumor predisposition; Hereditary Cancer Syndrome; Hereditary neoplastic syndrome. Identifiers: Orphanet 140162, MedGen C0027672, MeSH D009386, MONDO:0015356.

gnomAD v4.1: 1 of 1,614,034 alleles (0.000062%); highest among the groups gnomAD compares: Non-Finnish European, 0.000085%; no homozygotes.

Submissions (2):

Ambry Genetics
Classification: Uncertain significance for Hereditary cancer-predisposing syndrome. Last evaluated: 2025-11-06. Review status: criteria provided, single submitter. Criteria: Ambry Variant Classification Scheme 2023. Collection method: clinical testing. Allele origin: germline.
Comment: The p.N68S variant (also known as c.203A>G), located in coding exon 1 of the MET gene, results from an A to G substitution at nucleotide position 203. The asparagine at codon 68 is replaced by serine, an amino acid with highly similar properties. This amino acid position is highly conserved in available vertebrate species. In addition, this alteration is predicted to be tolerated by in silico analysis. Based on the available evidence, the clinical significance of this variant remains unclear.

Labcorp Genetics (formerly Invitae), Labcorp
Classification: Uncertain significance for Renal cell carcinoma. Last evaluated: 2025-07-22. Review status: criteria provided, single submitter. Criteria: Invitae Variant Classification Sherloc (09022015). Collection method: clinical testing. Allele origin: germline.
Comment: This sequence change replaces asparagine, which is neutral and polar, with serine, which is neutral and polar, at codon 68 of the MET protein (p.Asn68Ser). This variant is not present in population databases (gnomAD no frequency). This variant has not been reported in the literature in individuals affected with MET-related conditions. Invitae Evidence Modeling of protein sequence and biophysical properties (such as structural, functional, and spatial information, amino acid conservation, physicochemical variation, residue mobility, and thermodynamic stability) indicates that this missense variant is expected to disrupt MET protein function with a positive predictive value of 80%. In summary, the available evidence is currently insufficient to determine the role of this variant in disease. Therefore, it has been classified as a Variant of Uncertain Significance.

NM_000245.4(MET):c.203A>G (p.Asn68Ser)

Gene: MET (MET proto-oncogene, receptor tyrosine kinase; plus strand). Cytogenetic location: 7q31.2.
Variant type: single nucleotide variant.
Coding change: c.203A>G on transcript NM_000245.4 (MANE Select); coding-DNA position 203, A replaced by G.
Protein change: p.Asn68Ser; replaces asparagine 68 with serine.
Molecular consequence: missense variant. On other transcripts: intron variant (1).
Genome position (GRCh38, 1-based): chr7:116,699,287, A>G. VCF-style: chr7-116699287-A-G. GRCh37 (hg19) VCF-style: chr7-116339341-A-G.
Other names: c.203A>G, p.Asn68Ser (NM_001127500.3, NM_001324401.3); c.-91+26710A>G (NM_001324402.2); short protein forms N68S.
Identifiers: ClinVar variation 4647952 (VCV004647952.2).
Genomic context (GRCh38, chr7:116,699,287, plus strand): 5'-CGGAAACACCCATCCAGAATGTCATTCTACATGAGCATCACATTTTCCTTGGTGCCACTA[A>G]CTACATTTATGTTTTAAATGAGGAAGACCTTCAGAAGGTTGCTGAGTACAAGACTGGGCC-3'
Protein context (NP_000236.2, residues 58-78): HEHHIFLGAT[Asn68Ser]YIYVLNEEDL